The following is an entry in ClinVar:

ClinVar aggregate classification (germline): Benign/Likely benign. Review status: criteria provided, multiple submitters, no conflicts (2 of 4 stars). 3 submissions from 3 submitters: Benign (1); Likely benign (2). Last evaluated 2026-06-24.

Conditions:
Retinoblastoma (RB1). Also called: RETINOBLASTOMA, SOMATIC. Identifiers: Orphanet 790, MedGen C0035335, MeSH D012175, MONDO:0008380, OMIM 180200, HP:0009919. Disease mechanism: loss of function. Inheritance: Both sporadic and heritable forms are tested..
Hereditary cancer-predisposing syndrome. Also called: Neoplastic Syndromes, Hereditary; Tumor predisposition; Hereditary neoplastic syndrome; Hereditary Cancer Syndrome. Identifiers: Orphanet 140162, MedGen C0027672, MeSH D009386, MONDO:0015356.

Allele frequency attached by ClinVar (database versions not stated): gnomAD exomes 0.00001.
gnomAD v4.1: 7 of 1,587,644 alleles (0.00044%); highest among the groups gnomAD compares: Non-Finnish European, 0.00052%; no homozygotes.

Submissions (3):

Myriad Genetics, Inc.
Classification: Benign for Retinoblastoma. Last evaluated: 2026-06-24. Review status: criteria provided, single submitter. Criteria: Myriad Autosomal Dominant, Autosomal Recessive and X-Linked Classification Criteria (2023). Collection method: clinical testing. Allele origin: unknown.
Comment: This variant is considered benign. This variant is a silent/synonymous amino acid change and it is not expected to impact splicing.

Labcorp Genetics (formerly Invitae), Labcorp
Classification: Likely benign for Retinoblastoma. Last evaluated: 2024-06-19. Review status: criteria provided, single submitter. Criteria: Invitae Variant Classification Sherloc (09022015). Collection method: clinical testing. Allele origin: germline.

Ambry Genetics
Classification: Likely benign for Hereditary cancer-predisposing syndrome. Last evaluated: 2021-10-06. Review status: criteria provided, single submitter. Criteria: Ambry Variant Classification Scheme 2023. Collection method: clinical testing. Allele origin: germline.

NM_000321.3(RB1):c.1191A>G (p.Ser397=)

Gene: RB1 (RB transcriptional corepressor 1; plus strand). Cytogenetic location: 13q14.2.
Variant type: single nucleotide variant.
Coding change: c.1191A>G on transcript NM_000321.3 (MANE Select); coding-DNA position 1191, A replaced by G.
Protein change: p.Ser397=; no amino-acid change (serine 397 retained).
Molecular consequence: synonymous variant.
Genome position (GRCh38, 1-based): chr13:48,373,468, A>G. VCF-style: chr13-48373468-A-G. GRCh37 (hg19) VCF-style: chr13-48947604-A-G.
Other names: c.1191A>G, p.Ser397= (NM_001407165.1, NM_001407166.1).
Identifiers: ClinVar variation 1744885 (VCV001744885.6), dbSNP rs2542195048, ClinGen allele CA483558948.
Genomic context (GRCh38, chr13:48,373,468, plus strand): 5'-TGTTATGAACACTATCCAACAATTAATGATGATTTTAAATTCAGCAAGTGATCAACCTTC[A>G]GAAAATCTGATTTCCTATTTTAACGTAAGCCATATATGAAACATTATTTATTGTAATATC-3'
Protein context (NP_000312.2, residues 387-407): MILNSASDQP[Ser397=]ENLISYFNNC